The following is an entry in ClinVar:

ClinVar aggregate classification (germline): Pathogenic. Review status: criteria provided, multiple submitters, no conflicts (2 of 4 stars). 4 submissions from 4 submitters: Pathogenic (4). Last evaluated 2025-12-22.

Conditions:
Familial hemophagocytic lymphohistiocytosis (FHL). Also called: Familial erythrophagocytic lymphohistiocytosis; Familial histiocytic reticulosis; Hereditary hemophagocytic lymphohistiocytosis. Identifiers: Orphanet 158038, Orphanet 540, MedGen C0272199, MONDO:0015541.
CDC42-associated inflammatory disease.
CDC42-related disorder. Also called: CDC42-related condition; CDC42-related disorders.

Submissions (4):

3billion
Classification: Pathogenic for CDC42-related disorder. Last evaluated: 2025-12-22. Review status: criteria provided, single submitter. Criteria: ACMG Guidelines, 2015. Collection method: clinical testing. Allele origin: germline. Affected: yes.
Comment: The variant is not observed in the gnomAD v4.1.0 dataset. Predicted Consequence/Location: Missense variant. Missense changes are a common disease-causing mechanism. In silico tool predictions suggest damaging effect of the variant on gene or gene product [3Cnet: 0.96 (> 0.75, sensitivity 0.96 and precision 0.92)]. The same nucleotide change resulting in the same amino acid change has been previously reported as pathogenic/likely pathogenic with strong evidence (ClinVar ID: VCV001916169 /PMID: 31601675). The variant has been previously reported as de novo in a similarly affected individual (PMID: 31601675). Therefore, this variant is classified as Pathogenic according to the recommendation of ACMG/AMP guideline.

Undiagnosed Diseases Network, NIH
Classification: Pathogenic for CDC42-associated inflammatory disease. Last evaluated: 2025-06-10. Review status: criteria provided, single submitter. Criteria: ACMG Guidelines, 2015. Collection method: clinical testing. Allele origin: de novo. Inheritance: Autosomal dominant inheritance. Affected: yes. Observed: 1 variant allele, 1 heterozygote. Study: Undiagnosed Diseases Network (NIH), UDN.

Victorian Clinical Genetics Services, Murdoch Childrens Research Institute
Classification: Pathogenic for Familial hemophagocytic lymphohistiocytosis. Last evaluated: 2024-11-16. Review status: criteria provided, single submitter. Criteria: ACMG Guidelines, 2015. Collection method: clinical testing. Allele origin: germline. Affected: yes.
Comment: This variant is classified as Pathogenic. Evidence in support of pathogenic classification: Variant is absent from gnomAD (v2, v3 and v4); This variant has strong previous evidence of pathogenicity in unrelated individuals. This variant has been classified as pathogenic by a clinical laboratory in ClinVar, and has been reported in the literature in at least five de novo individuals with CDC42-related haemophagocytic lymphohistiocyotosis (PMIDs: 31601675, 32283203). Additional information: Variant is predicted to result in a missense amino acid change from arginine to cysteine; This variant is heterozygous; This gene is associated with autosomal dominant disease; An alternative amino acid change at the same position has been observed in gnomAD (v4: 8 heterozygote(s), 0 homozygote(s)); Dominant negative and gain of function are known mechanisms of disease in this gene and are associated with Takenouchi-Kosaki syndrome (MIM#616737) and hereditary haemophagocytic lymphohistiocytosis (MONDO:0015541), CDC42-related. Variant-specific effects on this gene cause diverse phenotypes (PMIDs: 29394990, 31601675); Parental origin of the variant is unresolved. A sample from this individual's father has not been tested.

Labcorp Genetics (formerly Invitae), Labcorp
Classification: Pathogenic. Last evaluated: 2024-10-16. Review status: criteria provided, single submitter. Criteria: Invitae Variant Classification Sherloc (09022015). Collection method: clinical testing. Allele origin: germline.
Comment: This sequence change replaces arginine, which is basic and polar, with cysteine, which is neutral and slightly polar, at codon 186 of the CDC42 protein (p.Arg186Cys). This variant is not present in population databases (gnomAD no frequency). This missense change has been observed in individual(s) with Takenouchi-Kosaki syndrome (PMID: 31601675). In at least one individual the variant was observed to be de novo. ClinVar contains an entry for this variant (Variation ID: 1916169). An algorithm developed to predict the effect of missense changes on protein structure and function (PolyPhen-2) suggests that this variant is likely to be tolerated. For these reasons, this variant has been classified as Pathogenic.

Literature cited by the submitters: PubMed 31601675 (cited by 4 submitters); PubMed 31271789 (cited by Undiagnosed Diseases Network, NIH); PubMed 29394990 (cited by Victorian Clinical Genetics Services, Murdoch Childrens Research Institute); PubMed 32283203 (cited by Victorian Clinical Genetics Services, Murdoch Childrens Research Institute).

NM_001791.4(CDC42):c.556C>T (p.Arg186Cys)

Gene: CDC42 (cell division cycle 42; plus strand). Cytogenetic location: 1p36.12.
Variant type: single nucleotide variant.
Coding change: c.556C>T on transcript NM_001791.4 (MANE Select); coding-DNA position 556, C replaced by T.
Protein change: p.Arg186Cys; replaces arginine 186 with cysteine.
Molecular consequence: missense variant.
Genome position (GRCh38, 1-based): chr1:22,091,497, C>T. VCF-style: chr1-22091497-C-T. GRCh37 (hg19) VCF-style: chr1-22417990-C-T.
Other names: p.Arg186Cys; c.556C>T, p.Arg186Cys (NM_001039802.2); short protein forms R186C.
Identifiers: ClinVar variation 1916169 (VCV001916169.9), dbSNP rs2522255954, ClinGen allele CA338909822.
Genomic context (GRCh38, chr1:22,091,497, plus strand): 5'-AAGAATGTATTTGACGAAGCAATATTGGCTGCCCTGGAGCCTCCAGAACCGAAGAAGAGC[C>T]GCAGGTGTGTGCTGCTATGAACATCTCTCCAGAGCCCTTTCTGCACAGCTGGTGTCGGCA-3'
Protein context (NP_001782.1, residues 176-191): ALEPPEPKKS[Arg186Cys]RCVLL